The following is an entry in ClinVar:

ClinVar aggregate classification (germline): Uncertain significance (1 of 4 stars; one submission).

gnomAD v4.1: 4 of 1,319,074 alleles (0.0003%); highest among the groups gnomAD compares: Admixed American, 0.0042%; no homozygotes.

Submission:

Labcorp Genetics (formerly Invitae), Labcorp
Classification: Uncertain significance. Last evaluated: 2024-07-12. Review status: criteria provided, single submitter. Criteria: Invitae Variant Classification Sherloc (09022015). Collection method: clinical testing. Allele origin: germline.
Comment: This sequence change replaces proline, which is neutral and non-polar, with serine, which is neutral and polar, at codon 320 of the ARID1A protein (p.Pro320Ser). This variant is not present in population databases (gnomAD no frequency). This variant has not been reported in the literature in individuals affected with ARID1A-related conditions. Advanced modeling of protein sequence and biophysical properties (such as structural, functional, and spatial information, amino acid conservation, physicochemical variation, residue mobility, and thermodynamic stability) performed at Invitae indicates that this missense variant is not expected to disrupt ARID1A protein function with a negative predictive value of 95%. In summary, the available evidence is currently insufficient to determine the role of this variant in disease. Therefore, it has been classified as a Variant of Uncertain Significance.

NM_006015.6(ARID1A):c.958C>T (p.Pro320Ser)

Genes: ARID1A (AT-rich interaction domain 1A; plus strand), LOC129929837 (ATAC-STARR-seq lymphoblastoid silent region 489; plus strand). Cytogenetic location: 1p36.11.
Variant type: single nucleotide variant.
Coding change: c.958C>T on transcript NM_006015.6 (MANE Select); coding-DNA position 958, C replaced by T.
Protein change: p.Pro320Ser; replaces proline 320 with serine.
Molecular consequence: missense variant.
Genome position (GRCh38, 1-based): chr1:26,697,361, C>T. VCF-style: chr1-26697361-C-T. GRCh37 (hg19) VCF-style: chr1-27023852-C-T.
Other names: c.958C>T, p.Pro320Ser (NM_139135.4); short protein forms P320S.
Identifiers: ClinVar variation 3683362 (VCV003683362.2).